The following is an entry in ClinVar:

ClinVar aggregate classification (germline): Uncertain significance (1 of 4 stars; one submission).

Allele frequency attached by ClinVar (database versions not stated): gnomAD exomes 0.00004; gnomAD 0.00028.
gnomAD v4.1: 63 of 1,613,914 alleles (0.0039%); highest among the groups gnomAD compares: Admixed American, 0.11%; 1 homozygote.

Submission:

Labcorp Genetics (formerly Invitae), Labcorp
Classification: Uncertain significance. Last evaluated: 2022-10-02. Review status: criteria provided, single submitter. Criteria: Invitae Variant Classification Sherloc (09022015). Collection method: clinical testing. Allele origin: germline.
Comment: In summary, the available evidence is currently insufficient to determine the role of this variant in disease. Therefore, it has been classified as a Variant of Uncertain Significance. Algorithms developed to predict the effect of sequence changes on RNA splicing suggest that this variant may disrupt the consensus splice site. Advanced modeling of protein sequence and biophysical properties (such as structural, functional, and spatial information, amino acid conservation, physicochemical variation, residue mobility, and thermodynamic stability) performed at Invitae indicates that this missense variant is expected to disrupt INTU protein function. This variant has not been reported in the literature in individuals affected with INTU-related conditions. This variant is present in population databases (no rsID available, gnomAD 0.06%), and has an allele count higher than expected for a pathogenic variant. This sequence change replaces leucine, which is neutral and non-polar, with glutamine, which is neutral and polar, at codon 547 of the INTU protein (p.Leu547Gln).

NM_015693.4(INTU):c.1640T>A (p.Leu547Gln)

Gene: INTU (inturned planar cell polarity protein; plus strand). Cytogenetic location: 4q28.1.
Variant type: single nucleotide variant.
Coding change: c.1640T>A on transcript NM_015693.4 (MANE Select); coding-DNA position 1640, T replaced by A.
Protein change: p.Leu547Gln; replaces leucine 547 with glutamine.
Molecular consequence: missense variant.
Genome position (GRCh38, 1-based): chr4:127,705,664, T>A. VCF-style: chr4-127705664-T-A. GRCh37 (hg19) VCF-style: chr4-128626819-T-A.
Other names: short protein forms L547Q.
Identifiers: ClinVar variation 1968782 (VCV001968782.5), dbSNP rs1317470901, ClinGen allele CA358135427.
Genomic context (GRCh38, chr4:127,705,664, plus strand): 5'-GCAGTCATTTGCCCAAGGATGATCTTATTGATATTGCCGTATACTGTCGCCACTATTGCC[T>A]GCTGCCTTTAGCAGCAAAACAAAGAATTGGTCAGTTGATCATATGGAGAGAAGTGTTTCC-3'
Protein context (NP_056508.2, residues 537-557): DIAVYCRHYC[Leu547Gln]LPLAAKQRIG